The following is an entry in ClinVar:

ClinVar aggregate classification (germline): Likely benign. Review status: criteria provided, multiple submitters, no conflicts (2 of 4 stars). 2 submissions from 2 submitters: Likely benign (2). Last evaluated 2025-03-10.

Conditions:
LOXHD1-related disorder. Also called: LOXHD1-related condition.

gnomAD v4.1: 140 of 1,551,526 alleles (0.009%); highest among the groups gnomAD compares: Non-Finnish European, 0.012%; no homozygotes.

Submissions (2):

PreventionGenetics, part of Exact Sciences
Classification: Likely benign for LOXHD1-related condition. Last evaluated: 2025-03-10. Review status: criteria provided, single submitter. Criteria: ACMG Guidelines, 2015. Collection method: clinical testing. Allele origin: germline.
Comment: This variant is classified as likely benign based on ACMG/AMP sequence variant interpretation guidelines (Richards et al. 2015 PMID: 25741868, with internal and published modifications).

Blueprint Genetics
Classification: Likely benign. Last evaluated: 2023-01-16. Review status: criteria provided, single submitter. Criteria: ACMG Guidelines, 2015. Collection method: clinical testing. Allele origin: germline.

NM_001384474.1(LOXHD1):c.5086-5C>T

Gene: LOXHD1 (lipoxygenase homology PLAT domains 1; minus strand). Cytogenetic location: 18q21.1.
Variant type: single nucleotide variant.
Coding change: c.5086-5C>T on transcript NM_001384474.1 (MANE Select); 5 bases into the intron before coding-DNA position 5086, C replaced by T.
Molecular consequence: intron variant.
Genome position (GRCh38, 1-based): chr18:46,521,287, G>A on the plus strand (C>T on the coding strand, the complement: LOXHD1 is on the minus strand). VCF-style: chr18-46521287-G-A. GRCh37 (hg19) VCF-style: chr18-44101250-G-A.
Other names: c.1753-5C>T (NM_001145472.3); c.1465-5C>T (NM_001308013.2, NM_001308013.1); c.5085+814C>T (NM_144612.7).
Identifiers: ClinVar variation 4938960 (VCV004938960.2).